The following is an entry in ClinVar:

ClinVar aggregate classification (germline): Uncertain significance (1 of 4 stars; one submission).

Submission:

Women's Health and Genetics/Laboratory Corporation of America, LabCorp
Classification: Uncertain significance. Last evaluated: 2026-04-15. Review status: criteria provided, single submitter. Criteria: LabCorp Variant Classification Summary - May 2015. Collection method: clinical testing. Allele origin: germline.
Comment: Variant summary: The variant involves the partial duplication of exon 2 and the duplication of exons 3-6 in the TMEM231 gene. A presumed nomenclature of c.571_(*1878_?)dup has been designated for the purposes of this classification. It is assumed to be a tandem duplication in direct orientation (PMIDs: 25640679, 30054569). This Copy Number Variant (CNV) involves a partial duplication of exon 2. This CNV spans a canonical splice-site and its impact on the encoded protein is unknown. The variant was absent in 21688 control chromosomes. The available data on variant occurrences in the general population are insufficient to allow any conclusion about variant significance. To our knowledge, no occurrence of similar partial exon copy number variants in individuals affected with TMEM231-related conditions and no experimental evidence demonstrating impact on protein function have been reported. No submitters have cited clinical-significance assessments for similar partial exon copy number variants to ClinVar. Based on the evidence outlined above, the variant was classified as uncertain significance.

NC_000016.9:g.(?_75572014)_75579750dup

Gene: TMEM231 (transmembrane protein 231; minus strand). Cytogenetic location: 16q23.1.
Variant type: Duplication.
Identifiers: ClinVar variation 4848522 (VCV004848522.1).